The following is an entry in ClinVar:

NM_138295.5(PKD1L1):c.2454-18C>G

Gene: PKD1L1 (polycystin 1 like 1, transient receptor potential channel interacting; minus strand). Cytogenetic location: 7p12.3.
Variant type: single nucleotide variant.
Coding change: c.2454-18C>G on transcript NM_138295.5 (MANE Select); 18 bases into the intron before coding-DNA position 2454, C replaced by G.
Molecular consequence: intron variant.
Genome position (GRCh38, 1-based): chr7:47,890,781, G>C on the plus strand (C>G on the coding strand, the complement: PKD1L1 is on the minus strand). VCF-style: chr7-47890781-G-C. GRCh37 (hg19) VCF-style: chr7-47930379-G-C.
Identifiers: ClinVar variation 931947 (VCV000931947.5), dbSNP rs372682154, ClinGen allele CA4253728.

ClinVar aggregate classification (germline): Conflicting classifications of pathogenicity. Review status: criteria provided, conflicting classifications (1 of 4 stars). 2 submissions from 2 submitters: Uncertain significance (1); Likely benign (1). Last evaluated 2024-10-15.

Conditions:
Heterotaxy, visceral, 8, autosomal (HTX8). Identifiers: MedGen C4310668, MONDO:0014967, OMIM 617205.

Allele frequency attached by ClinVar (database versions not stated): TOPMed 0.00007; ESP Exome Variant Server 0.00008; 1000 Genomes Project 30x 0.00031; 1000 Genomes Project 0.00040.
gnomAD v4.1: 232 of 1,609,384 alleles (0.014%); highest among the groups gnomAD compares: South Asian, 0.19%; 3 homozygotes.

Submissions (2):

Labcorp Genetics (formerly Invitae), Labcorp
Classification: Likely benign. Last evaluated: 2024-10-15. Review status: criteria provided, single submitter. Criteria: Invitae Variant Classification Sherloc (09022015). Collection method: clinical testing. Allele origin: germline.

Centre for Mendelian Genomics, University Medical Centre Ljubljana
Classification: Uncertain significance for Heterotaxy, visceral, 8, autosomal. Last evaluated: 2019-04-02. Review status: criteria provided, single submitter. Criteria: ACMG Guidelines, 2015. Collection method: clinical testing. Allele origin: unknown. Affected: yes.
Comment: This variant was classified as: Uncertain significance. The available evidence on this variant's pathogenicity is insufficient or conflicting. The following ACMG criteria were applied in classifying this variant: No criteria apply.